The following is an entry in ClinVar:

ClinVar aggregate classification (germline): Uncertain significance (1 of 4 stars; one submission).

Conditions:
Cardiovascular phenotype. Identifiers: MedGen CN230736.

Submission:

Ambry Genetics
Classification: Uncertain significance for Cardiovascular phenotype. Last evaluated: 2025-04-02. Review status: criteria provided, single submitter. Criteria: Ambry Variant Classification Scheme 2023. Collection method: clinical testing. Allele origin: germline.
Comment: The p.H854R variant (also known as c.2561A>G), located in coding exon 13 of the PKP2 gene, results from an A to G substitution at nucleotide position 2561. The histidine at codon 854 is replaced by arginine, an amino acid with highly similar properties. This amino acid position is conserved. In addition, the in silico prediction for this alteration is inconclusive. Based on the available evidence, the clinical significance of this variant remains unclear.

NM_001005242.3(PKP2):c.2429A>G (p.His810Arg)

Gene: PKP2 (plakophilin 2; minus strand). Cytogenetic location: 12p11.21.
Variant type: single nucleotide variant.
Coding change: c.2429A>G on transcript NM_001005242.3 (MANE Select); coding-DNA position 2429, A replaced by G.
Protein change: p.His810Arg; replaces histidine 810 with arginine.
Molecular consequence: missense variant.
Genome position (GRCh38, 1-based): chr12:32,792,660, T>C on the plus strand (A>G on the coding strand, the complement: PKP2 is on the minus strand). VCF-style: chr12-32792660-T-C. GRCh37 (hg19) VCF-style: chr12-32945594-T-C.
Other names: c.2239A>G, p.Ile747Val (NM_001407155.1); c.2264A>G, p.His755Arg (NM_001407156.1); c.2102A>G, p.His701Arg (NM_001407158.1, NM_001407159.1); c.1912A>G, p.Ile638Val (NM_001407160.1); c.2561A>G, p.His854Arg (NM_004572.4); short protein forms H755R, I638V, H810R, H854R, I747V, H701R.
Identifiers: ClinVar variation 3933312 (VCV003933312.1).